The following is an entry in ClinVar:

ClinVar aggregate classification (germline): Uncertain significance. Review status: criteria provided, multiple submitters, no conflicts (2 of 4 stars). 2 submissions from 2 submitters: Uncertain significance (2). Last evaluated 2026-08-21.

Conditions:
UBN2-related disorder. Also called: UBN2-related condition.

Allele frequency attached by ClinVar (database versions not stated): gnomAD exomes below 0.00001; gnomAD 0.00001; TOPMed 0.00003.
gnomAD v4.1: 2 of 1,614,028 alleles (0.00012%); highest among the groups gnomAD compares: Admixed American, 0.0033%; no homozygotes.

Submissions (2):

PreventionGenetics, part of Exact Sciences
Classification: Uncertain significance for UBN2-related condition. Last evaluated: 2026-08-21. Review status: criteria provided, single submitter. Criteria: ACMG Guidelines, 2015. Collection method: clinical testing. Allele origin: germline.
Comment: The UBN2 c.2648G>A variant is predicted to result in the amino acid substitution p.Arg883Lys. To our knowledge, this variant has not been reported in the literature. This variant is reported in 0.0029% of alleles in individuals of Latino descent in gnomAD. At this time, the clinical significance of this variant is uncertain due to the absence of conclusive functional and genetic evidence.

Ambry Genetics
Classification: Uncertain significance. Last evaluated: 2023-11-14. Review status: criteria provided, single submitter. Criteria: Ambry Variant Classification Scheme 2023. Collection method: clinical testing. Allele origin: germline.

NM_173569.4(UBN2):c.2648G>A (p.Arg883Lys)

Gene: UBN2 (ubinuclein 2; plus strand). Cytogenetic location: 7q34.
Variant type: single nucleotide variant.
Coding change: c.2648G>A on transcript NM_173569.4 (MANE Select); coding-DNA position 2648, G replaced by A.
Protein change: p.Arg883Lys; replaces arginine 883 with lysine.
Molecular consequence: missense variant.
Genome position (GRCh38, 1-based): chr7:139,283,553, G>A. VCF-style: chr7-139283553-G-A. GRCh37 (hg19) VCF-style: chr7-138968299-G-A.
Other names: short protein forms R883K.
Identifiers: ClinVar variation 3185686 (VCV003185686.2), dbSNP rs1191648677, ClinGen allele CA369410880.